The following is an entry in ClinVar:

NM_005732.4(RAD50):c.425G>A (p.Ser142Asn)

Gene: RAD50 (RAD50 double strand break repair protein; plus strand). Cytogenetic location: 5q31.1.
Variant type: single nucleotide variant.
Coding change: c.425G>A on transcript NM_005732.4 (MANE Select); coding-DNA position 425, G replaced by A.
Protein change: p.Ser142Asn; replaces serine 142 with asparagine.
Molecular consequence: missense variant.
Genome position (GRCh38, 1-based): chr5:132,579,376, G>A. VCF-style: chr5-132579376-G-A. GRCh37 (hg19) VCF-style: chr5-131915068-G-A.
Other names: short protein forms S142N.
Identifiers: ClinVar variation 947928 (VCV000947928.11), dbSNP rs745933578, ClinGen allele CA360933822.
Genomic context (GRCh38, chr5:132,579,376, plus strand): 5'-GGCATGGTGAAAAGGTCAGTCTGAGCTCTAAGTGTGCAGAAATTGACCGAGAAATGATCA[G>A]TTCTCTTGGGGTTTCCAAGGCTGTGCTAAATAATGTCATTTTCTGTCATCAAGAAGATTC-3'
Protein context (NP_005723.2, residues 132-152): KCAEIDREMI[Ser142Asn]SLGVSKAVLN

ClinVar aggregate classification (germline): Uncertain significance. Review status: criteria provided, multiple submitters, no conflicts (2 of 4 stars). 2 submissions from 2 submitters: Uncertain significance (2). Last evaluated 2024-03-19.

Conditions:
Hereditary cancer-predisposing syndrome. Also called: Hereditary neoplastic syndrome; Neoplastic Syndromes, Hereditary; Tumor predisposition; Hereditary Cancer Syndrome. Identifiers: Orphanet 140162, MedGen C0027672, MeSH D009386, MONDO:0015356.

Allele frequency attached by ClinVar (database versions not stated): gnomAD exomes below 0.00001.
gnomAD v4.1: 1 of 1,613,924 alleles (0.000062%); highest among the groups gnomAD compares: Non-Finnish European, 0.000085%; no homozygotes.

Submissions (2):

Ambry Genetics
Classification: Uncertain significance for Hereditary cancer-predisposing syndrome. Last evaluated: 2024-03-19. Review status: criteria provided, single submitter. Criteria: Ambry Variant Classification Scheme 2023. Collection method: clinical testing. Allele origin: germline.
Comment: The p.S142N variant (also known as c.425G>A), located in coding exon 4 of the RAD50 gene, results from a G to A substitution at nucleotide position 425. The serine at codon 142 is replaced by asparagine, an amino acid with highly similar properties. This amino acid position is conserved. In addition, this alteration is predicted to be tolerated by in silico analysis. Based on the available evidence, the clinical significance of this alteration remains unclear.

Labcorp Genetics (formerly Invitae), Labcorp
Classification: Uncertain significance for Hereditary cancer-predisposing syndrome. Last evaluated: 2022-06-22. Review status: criteria provided, single submitter. Criteria: Invitae Variant Classification Sherloc (09022015). Collection method: clinical testing. Allele origin: germline.
Comment: This sequence change replaces serine, which is neutral and polar, with asparagine, which is neutral and polar, at codon 142 of the RAD50 protein (p.Ser142Asn). This variant is not present in population databases (gnomAD no frequency). This variant has not been reported in the literature in individuals affected with RAD50-related conditions. ClinVar contains an entry for this variant (Variation ID: 947928). Algorithms developed to predict the effect of missense changes on protein structure and function (SIFT, PolyPhen-2, Align-GVGD) all suggest that this variant is likely to be tolerated. In summary, the available evidence is currently insufficient to determine the role of this variant in disease. Therefore, it has been classified as a Variant of Uncertain Significance.